The following is an entry in ClinVar:

ClinVar aggregate classification (germline): Uncertain significance (1 of 4 stars; one submission).

Conditions:
Autosomal dominant limb-girdle muscular dystrophy type 1D (DNAJB6) (LGMDD1). Also called: MUSCULAR DYSTROPHY, LIMB-GIRDLE, TYPE 1D; MUSCULAR DYSTROPHY, AUTOSOMAL DOMINANT, WITH RIMMED VACUOLES; Autosomal dominant limb-girdle muscular dystrophy type 1D; Muscular dystrophy, limb-girdle, autosomal dominant 1. Identifiers: Orphanet 34516, MedGen C4721885, MONDO:0021018, OMIM 603511.

Allele frequency attached by ClinVar (database versions not stated): gnomAD 0.00001.

Submission:

Labcorp Genetics (formerly Invitae), Labcorp
Classification: Uncertain significance for Autosomal dominant limb-girdle muscular dystrophy type 1D (DNAJB6). Last evaluated: 2024-01-02. Review status: criteria provided, single submitter. Criteria: Invitae Variant Classification Sherloc (09022015). Collection method: clinical testing. Allele origin: germline.
Comment: This sequence change replaces arginine, which is basic and polar, with tryptophan, which is neutral and slightly polar, at codon 24 of the DNAJB6 protein (p.Arg24Trp). The frequency data for this variant in the population databases is considered unreliable, as metrics indicate poor data quality at this position in the gnomAD database. This variant has not been reported in the literature in individuals affected with DNAJB6-related conditions. Advanced modeling of protein sequence and biophysical properties (such as structural, functional, and spatial information, amino acid conservation, physicochemical variation, residue mobility, and thermodynamic stability) performed at Invitae indicates that this missense variant is expected to disrupt DNAJB6 protein function with a positive predictive value of 80%. In summary, the available evidence is currently insufficient to determine the role of this variant in disease. Therefore, it has been classified as a Variant of Uncertain Significance.

NM_058246.4(DNAJB6):c.70C>T (p.Arg24Trp)

Gene: DNAJB6 (DnaJ heat shock protein family (Hsp40) member B6; plus strand). Cytogenetic location: 7q36.3.
Variant type: single nucleotide variant.
Coding change: c.70C>T on transcript NM_058246.4 (MANE Select); coding-DNA position 70, C replaced by T.
Protein change: p.Arg24Trp; replaces arginine 24 with tryptophan.
Molecular consequence: missense variant.
Genome position (GRCh38, 1-based): chr7:157,363,165, C>T. VCF-style: chr7-157363165-C-T. GRCh37 (hg19) VCF-style: chr7-157155859-C-T.
Other names: c.70C>T, p.Arg24Trp (NM_001363676.1, NM_005494.3); short protein forms R24W.
Identifiers: ClinVar variation 2727435 (VCV002727435.3), dbSNP rs1394317103, ClinGen allele CA370165625.